The following is an entry in ClinVar:

ClinVar aggregate classification (germline): Uncertain significance (1 of 4 stars; one submission).

Submission:

Labcorp Genetics (formerly Invitae), Labcorp
Classification: Uncertain significance. Last evaluated: 2022-06-27. Review status: criteria provided, single submitter. Criteria: Invitae Variant Classification Sherloc (09022015). Collection method: clinical testing. Allele origin: germline.
Comment: In summary, the available evidence is currently insufficient to determine the role of this variant in disease. Therefore, it has been classified as a Variant of Uncertain Significance. This sequence change replaces glycine, which is neutral and non-polar, with glutamic acid, which is acidic and polar, at codon 1306 of the ADGRV1 protein (p.Gly1306Glu). This variant is not present in population databases (gnomAD no frequency). This missense change has been observed in individual(s) with autosomal recessive nonsyndromic deafness (PMID: 31387071). In at least one individual the data is consistent with being in trans (on the opposite chromosome) from a pathogenic variant. It has also been observed to segregate with disease in related individuals. Algorithms developed to predict the effect of missense changes on protein structure and function are either unavailable or do not agree on the potential impact of this missense change (SIFT: "Deleterious"; PolyPhen-2: "Probably Damaging"; Align-GVGD: "Class C0").

Literature cited by the submitters: PubMed 31387071.

NM_032119.4(ADGRV1):c.3917G>A (p.Gly1306Glu)

Gene: ADGRV1 (adhesion G protein-coupled receptor V1; plus strand). Cytogenetic location: 5q14.3.
Variant type: single nucleotide variant.
Coding change: c.3917G>A on transcript NM_032119.4 (MANE Select); coding-DNA position 3917, G replaced by A.
Protein change: p.Gly1306Glu; replaces glycine 1306 with glutamic acid.
Molecular consequence: missense variant. On other transcripts: non-coding transcript variant (1).
Genome position (GRCh38, 1-based): chr5:90,653,491, G>A. VCF-style: chr5-90653491-G-A. GRCh37 (hg19) VCF-style: chr5-89949308-G-A.
Other names: short protein forms G1306E.
Identifiers: ClinVar variation 1365654 (VCV001365654.7), dbSNP rs2149467014, ClinGen allele CA360399853.